The following is an entry in ClinVar:

ClinVar aggregate classification (germline): Pathogenic. Review status: criteria provided, multiple submitters, no conflicts (2 of 4 stars). 2 submissions from 2 submitters: Pathogenic (2). Last evaluated 2025-01-22.

Conditions:
Familial X-linked hypophosphatemic vitamin D refractory rickets (XLHRD). Also called: X-Linked Hypophosphatemia; Hypophosphatemia, vitamin D-resistant rickets; Vitamin D-resistant rickets, X-linked; Hypophosphatemic Rickets, X-Linked Dominant; HYPOPHOSPHATEMIC VITAMIN D-RESISTANT RICKETS. Identifiers: Orphanet 89936, MedGen C0733682, MONDO:0010619, OMIM 307800.

Submissions (2):

Women's Health and Genetics/Laboratory Corporation of America, LabCorp
Classification: Pathogenic for Familial X-linked hypophosphatemic vitamin D refractory rickets. Last evaluated: 2025-01-22. Review status: criteria provided, single submitter. Criteria: LabCorp Variant Classification Summary - May 2015. Collection method: clinical testing. Allele origin: germline.
Comment: Variant summary: PHEX c.1079+2T>G is located in a canonical splice-site and is predicted to affect mRNA splicing resulting in a significantly altered protein due to either exon skipping, shortening, or inclusion of intronic material. Variants that disrupt the consensus splice site are a relatively common cause of aberrant splicing and loss of PHEX function. Several computational tools predict a significant impact on normal splicing: Three predict the variant abolishes a 5' splicing donor site. However, these predictions have yet to be confirmed by functional studies. The variant was absent in 183258 control chromosomes (gnomAD). c.1079+2T>G has been reported in the literature in individuals affected with X-Linked Hypophosphatemic Rickets (e.g. Filisetti_1999, Zhang_2019). To our knowledge, no experimental evidence demonstrating an impact on protein function has been reported. The following publications have been ascertained in the context of this evaluation (PMID: 10439971, 30682568). ClinVar contains an entry for this variant (Variation ID: 1069386). Based on the evidence outlined above, the variant was classified as pathogenic.

Labcorp Genetics (formerly Invitae), Labcorp
Classification: Pathogenic. Last evaluated: 2020-03-31. Review status: criteria provided, single submitter. Criteria: Invitae Variant Classification Sherloc (09022015). Collection method: clinical testing. Allele origin: germline.
Comment: For these reasons, this variant has been classified as Pathogenic. Donor and acceptor splice site variants typically lead to a loss of protein function (PMID: 16199547), and loss-of-function variants in PHEX are known to be pathogenic (PMID: 9097956, 9106524, 19219621). Algorithms developed to predict the effect of sequence changes on RNA splicing suggest that this variant may disrupt the consensus splice site, but this prediction has not been confirmed by published transcriptional studies. Disruption of this splice site has been observed in individual(s) with hypophosphatemic rickets (PMID: 10439971, 14564077, 30607568). This variant is not present in population databases (ExAC no frequency). This sequence change affects a donor splice site in intron 9 of the PHEX gene. It is expected to disrupt RNA splicing and likely results in an absent or disrupted protein product.

Literature cited by the submitters: PubMed 10439971 (cited by Women's Health and Genetics/Laboratory Corporation of America, LabCorp and Labcorp Genetics (formerly Invitae), Labcorp); PubMed 30682568 (cited by Women's Health and Genetics/Laboratory Corporation of America, LabCorp); PubMed 16199547 (cited by Labcorp Genetics (formerly Invitae), Labcorp); PubMed 9097956 (cited by Labcorp Genetics (formerly Invitae), Labcorp); PubMed 9106524 (cited by Labcorp Genetics (formerly Invitae), Labcorp); PubMed 19219621 (cited by Labcorp Genetics (formerly Invitae), Labcorp); PubMed 14564077 (cited by Labcorp Genetics (formerly Invitae), Labcorp); PubMed 30607568 (cited by Labcorp Genetics (formerly Invitae), Labcorp).

NM_000444.6(PHEX):c.1079+2T>G

Gene: PHEX (phosphate regulating endopeptidase X-linked; plus strand). Cytogenetic location: Xp22.11.
Variant type: single nucleotide variant.
Coding change: c.1079+2T>G on transcript NM_000444.6 (MANE Select); the canonical splice donor site of the intron after coding-DNA position 1079, T replaced by G.
Molecular consequence: splice donor variant.
Genome position (GRCh38, 1-based): chrX:22,099,153, T>G. VCF-style: chrX-22099153-T-G. GRCh37 (hg19) VCF-style: chrX-22117271-T-G.
Other names: c.1079+2T>G (NM_001282754.2).
Identifiers: ClinVar variation 1069386 (VCV001069386.11), dbSNP rs2147047585, ClinGen allele CA412573063.